The following is an entry in ClinVar:

ClinVar aggregate classification (germline): Uncertain significance (1 of 4 stars; one submission).

Conditions:
Primary ciliary dyskinesia. Also called: Ciliary dyskinesia. Identifiers: Orphanet 244, MedGen C0008780, MONDO:0016575, HP:0012265.

gnomAD v4.1: 3 of 1,611,764 alleles (0.00019%); highest among the groups gnomAD compares: South Asian, 0.0011%; no homozygotes.

Submission:

Labcorp Genetics (formerly Invitae), Labcorp
Classification: Uncertain significance for Primary ciliary dyskinesia. Last evaluated: 2021-04-30. Review status: criteria provided, single submitter. Criteria: Invitae Variant Classification Sherloc (09022015). Collection method: clinical testing. Allele origin: germline.
Comment: This variant is not present in population databases (ExAC no frequency). In summary, the available evidence is currently insufficient to determine the role of this variant in disease. Therefore, it has been classified as a Variant of Uncertain Significance. Algorithms developed to predict the effect of missense changes on protein structure and function are either unavailable or do not agree on the potential impact of this missense change (SIFT: "Deleterious"; PolyPhen-2: "Possibly Damaging"; Align-GVGD: "Class C0"). This variant has not been reported in the literature in individuals with DNAAF1-related conditions. This sequence change replaces alanine with aspartic acid at codon 498 of the DNAAF1 protein (p.Ala498Asp). The alanine residue is weakly conserved and there is a moderate physicochemical difference between alanine and aspartic acid.

NM_178452.6(DNAAF1):c.1493C>A (p.Ala498Asp)

Gene: DNAAF1 (dynein axonemal assembly factor 1; plus strand). Cytogenetic location: 16q24.1.
Variant type: single nucleotide variant.
Coding change: c.1493C>A on transcript NM_178452.6 (MANE Select); coding-DNA position 1493, C replaced by A.
Protein change: p.Ala498Asp; replaces alanine 498 with aspartic acid.
Molecular consequence: missense variant.
Genome position (GRCh38, 1-based): chr16:84,170,321, C>A. VCF-style: chr16-84170321-C-A. GRCh37 (hg19) VCF-style: chr16-84203927-C-A.
Other names: c.785C>A, p.Ala262Asp (NM_001318756.1); short protein forms A262D, A498D.
Identifiers: ClinVar variation 1448644 (VCV001448644.8), dbSNP rs1192806420, ClinGen allele CA396948555.